The following is an entry in ClinVar:

NM_000038.6(APC):c.3309G>T (p.Arg1103Ser)

Gene: APC (APC regulator of Wnt signaling pathway; plus strand). Cytogenetic location: 5q22.2.
Variant type: single nucleotide variant.
Coding change: c.3309G>T on transcript NM_000038.6 (MANE Select); coding-DNA position 3309, G replaced by T.
Protein change: p.Arg1103Ser; replaces arginine 1103 with serine.
Molecular consequence: missense variant.
Genome position (GRCh38, 1-based): chr5:112,838,903, G>T. VCF-style: chr5-112838903-G-T. GRCh37 (hg19) VCF-style: chr5-112174600-G-T.
Other names: c.3309G>T, p.Arg1103Ser (NM_001127510.3, NM_001354895.2); c.3255G>T, p.Arg1085Ser (NM_001127511.3); c.3363G>T, p.Arg1121Ser (NM_001354896.2); c.3339G>T, p.Arg1113Ser (NM_001354897.2); c.3234G>T, p.Arg1078Ser (NM_001354898.2); c.3225G>T, p.Arg1075Ser (NM_001354899.2); c.3186G>T, p.Arg1062Ser (NM_001354900.2); c.3132G>T, p.Arg1044Ser (NM_001354901.2); and 5 more; short protein forms R1002S, R1012S, R1044S, R1062S, R1075S, R1078S, R1085S, R1103S.
Identifiers: ClinVar variation 1019680 (VCV001019680.13), dbSNP rs1580633773, ClinGen allele CA16028596.

ClinVar aggregate classification (germline): Uncertain significance. Review status: criteria provided, multiple submitters, no conflicts (2 of 4 stars). 3 submissions from 3 submitters: Uncertain significance (3). Last evaluated 2024-12-15.

Conditions:
Hereditary cancer-predisposing syndrome. Also called: Tumor predisposition; Neoplastic Syndromes, Hereditary; Hereditary neoplastic syndrome; Hereditary Cancer Syndrome. Identifiers: Orphanet 140162, MedGen C0027672, MeSH D009386, MONDO:0015356.
Familial adenomatous polyposis 1 (FAP1). Also called: FAMILIAL ADENOMATOUS POLYPOSIS 1, ATTENUATED; POLYPOSIS, ADENOMATOUS INTESTINAL. Identifiers: MedGen C2713442, MONDO:0021056, OMIM 175100. Disease mechanism: loss of function.
Desmoid disease, hereditary (DESMD). Also called: FIBROMATOSIS, FAMILIAL INFILTRATIVE. Identifiers: Orphanet 873, MedGen C1851124, OMIM 135290. Disease mechanism: loss of function.
Gastric adenocarcinoma and proximal polyposis of the stomach (GAPPS). Also called: Gastric Adenocarcinoma and Proximal Polyposis of the Stomach (GAPPS); Polyposis, gastric, Dos Santos and de Magalhaes 1980; POLYPOSIS, GASTRIC. Identifiers: Orphanet 314022, MedGen C4749917, MONDO:0017790, OMIM 619182.
Hepatocellular carcinoma (HCC). Also called: Primary carcinoma of liver; HEPATOMA; LIVER CELL CARCINOMA. Identifiers: Orphanet 88673, MedGen C2239176, MONDO:0007256, OMIM 114550, HP:0001402.
Colorectal cancer. Also called: Colorectal cancer, somatic; Malignant Colorectal Neoplasm. Identifiers: MedGen C0346629, MONDO:0005575, OMIM 114500.
Gastric cancer. Also called: Malignant tumor of stomach; Stomach cancer. Identifiers: MedGen C0024623, MeSH D013274, MONDO:0001056, OMIM 613659, HP:0012126.

Submissions (3):

Labcorp Genetics (formerly Invitae), Labcorp
Classification: Uncertain significance for Familial adenomatous polyposis 1. Last evaluated: 2024-12-15. Review status: criteria provided, single submitter. Criteria: Invitae Variant Classification Sherloc (09022015). Collection method: clinical testing. Allele origin: germline.
Comment: This sequence change replaces arginine, which is basic and polar, with serine, which is neutral and polar, at codon 1103 of the APC protein (p.Arg1103Ser). This variant is not present in population databases (gnomAD no frequency). This variant has not been reported in the literature in individuals affected with APC-related conditions. ClinVar contains an entry for this variant (Variation ID: 1019680). Invitae Evidence Modeling of protein sequence and biophysical properties (such as structural, functional, and spatial information, amino acid conservation, physicochemical variation, residue mobility, and thermodynamic stability) indicates that this missense variant is not expected to disrupt APC protein function with a negative predictive value of 95%. In summary, the available evidence is currently insufficient to determine the role of this variant in disease. Therefore, it has been classified as a Variant of Uncertain Significance.

Fulgent Genetics
Classification: Uncertain significance for Colorectal cancer; Hepatocellular carcinoma; Desmoid disease, hereditary; Familial adenomatous polyposis 1; Gastric cancer; Gastric adenocarcinoma and proximal polyposis of the stomach. Last evaluated: 2024-04-01. Review status: criteria provided, single submitter. Criteria: ACMG Guidelines, 2015. Collection method: clinical testing. Allele origin: germline.

Ambry Genetics
Classification: Uncertain significance for Hereditary cancer-predisposing syndrome. Last evaluated: 2020-03-23. Review status: criteria provided, single submitter. Criteria: Ambry Variant Classification Scheme 2023. Collection method: clinical testing. Allele origin: germline.
Comment: The p.R1103S variant (also known as c.3309G>T), located in coding exon 15 of the APC gene, results from a G to T substitution at nucleotide position 3309. The arginine at codon 1103 is replaced by serine, an amino acid with dissimilar properties. This amino acid position is highly conserved in available vertebrate species. In addition, in silico predictors for this gene do not accurately predict pathogenicity. Since supporting evidence is limited at this time, the clinical significance of this alteration remains unclear.